The following is an entry in ClinVar:

NM_005391.5(PDK3):c.382C>G (p.Gln128Glu)

Gene: PDK3 (pyruvate dehydrogenase kinase 3; plus strand). Cytogenetic location: Xp22.11.
Variant type: single nucleotide variant.
Coding change: c.382C>G on transcript NM_005391.5 (MANE Select); coding-DNA position 382, C replaced by G.
Protein change: p.Gln128Glu; replaces glutamine 128 with glutamic acid.
Molecular consequence: missense variant.
Genome position (GRCh38, 1-based): chrX:24,503,388, C>G. VCF-style: chrX-24503388-C-G. GRCh37 (hg19) VCF-style: chrX-24521505-C-G.
Other names: c.382C>G, p.Gln128Glu (NM_001142386.3); short protein forms Q128E.
Identifiers: ClinVar variation 2083752 (VCV002083752.4), dbSNP rs1921909663, ClinGen allele CA412605241.

ClinVar aggregate classification (germline): Uncertain significance (1 of 4 stars; one submission).

Conditions:
Charcot-Marie-Tooth disease X-linked dominant 6. Also called: CHARCOT-MARIE-TOOTH NEUROPATHY, X-LINKED DOMINANT, 6. Identifiers: Orphanet 352675, MedGen C3806702, MONDO:0010479, OMIM 300905.

gnomAD v4.1: 1 of 1,203,299 alleles (0.000083%); highest among the groups gnomAD compares: African/African-American, 0.0017%; no homozygotes.

Submission:

Labcorp Genetics (formerly Invitae), Labcorp
Classification: Uncertain significance for Charcot-Marie-Tooth disease X-linked dominant 6. Last evaluated: 2024-06-15. Review status: criteria provided, single submitter. Criteria: Invitae Variant Classification Sherloc (09022015). Collection method: clinical testing. Allele origin: germline.
Comment: This sequence change replaces glutamine, which is neutral and polar, with glutamic acid, which is acidic and polar, at codon 128 of the PDK3 protein (p.Gln128Glu). This variant is not present in population databases (gnomAD no frequency). This variant has not been reported in the literature in individuals affected with PDK3-related conditions. ClinVar contains an entry for this variant (Variation ID: 2083752). Advanced modeling of protein sequence and biophysical properties (such as structural, functional, and spatial information, amino acid conservation, physicochemical variation, residue mobility, and thermodynamic stability) performed at Invitae indicates that this missense variant is not expected to disrupt PDK3 protein function with a negative predictive value of 80%. In summary, the available evidence is currently insufficient to determine the role of this variant in disease. Therefore, it has been classified as a Variant of Uncertain Significance.